The following is an entry in ClinVar:

NM_017841.4(SDHAF2):c.37-5T>C

Gene: SDHAF2 (succinate dehydrogenase complex assembly factor 2; plus strand). Cytogenetic location: 11q12.2.
Variant type: single nucleotide variant.
Coding change: c.37-5T>C on transcript NM_017841.4 (MANE Select); 5 bases into the intron before coding-DNA position 37, T replaced by C.
Molecular consequence: intron variant.
Genome position (GRCh38, 1-based): chr11:61,437,620, T>C. VCF-style: chr11-61437620-T-C. GRCh37 (hg19) VCF-style: chr11-61205092-T-C.
Other names: c.37-5T>C (NM_017841.2).
Identifiers: ClinVar variation 2033613 (VCV002033613.6), dbSNP rs961480695, ClinGen allele CA2580084353.

ClinVar aggregate classification (germline): Uncertain significance. Review status: criteria provided, multiple submitters, no conflicts (2 of 4 stars). 2 submissions from 2 submitters: Uncertain significance (2). Last evaluated 2026-06-17.

Conditions:
Hereditary cancer-predisposing syndrome. Also called: Hereditary neoplastic syndrome; Neoplastic Syndromes, Hereditary; Tumor predisposition; Hereditary Cancer Syndrome. Identifiers: Orphanet 140162, MedGen C0027672, MeSH D009386, MONDO:0015356.
Hereditary pheochromocytoma and paraganglioma. Also called: Hereditary Paraganglioma-Pheochromocytoma Syndromes; Hereditary paragangliomas and pheochromocytomas; Hereditary pheochromocytoma-paraganglioma. Identifiers: Orphanet 29072, MedGen C4274332, MONDO:0017366.

Submissions (2):

Ambry Genetics
Classification: Uncertain significance for Hereditary cancer-predisposing syndrome. Last evaluated: 2026-06-17. Review status: criteria provided, single submitter. Criteria: Ambry Variant Classification Scheme 2023. Collection method: clinical testing. Allele origin: germline.
Comment: The c.37-5T>C intronic variant results from a T to C substitution 5 nucleotides upstream from coding exon 2 in the SDHAF2 gene. This nucleotide position is well conserved in available vertebrate species. In silico splice site analysis predicts that this alteration will weaken the native splice acceptor site. RNA studies have demonstrated that this variant results in a splice defect involving exons excluded from naturally occurring transcripts; the clinical impact of this abnormal splicing is unknown at this time (Ambry internal data). Based on the available evidence, the clinical significance of this variant remains unclear.

Labcorp Genetics (formerly Invitae), Labcorp
Classification: Uncertain significance for Hereditary pheochromocytoma and paraganglioma. Last evaluated: 2022-08-08. Review status: criteria provided, single submitter. Criteria: Invitae Variant Classification Sherloc (09022015). Collection method: clinical testing. Allele origin: germline.
Comment: In summary, the available evidence is currently insufficient to determine the role of this variant in disease. Therefore, it has been classified as a Variant of Uncertain Significance. Algorithms developed to predict the effect of sequence changes on RNA splicing suggest that this variant may disrupt the consensus splice site. This variant has not been reported in the literature in individuals affected with SDHAF2-related conditions. This variant is not present in population databases (gnomAD no frequency). This sequence change falls in intron 1 of the SDHAF2 gene. It does not directly change the encoded amino acid sequence of the SDHAF2 protein.